The following is an entry in ClinVar:

ClinVar aggregate classification (germline): Uncertain significance (1 of 4 stars; one submission).

Conditions:
Developmental and epileptic encephalopathy, 12 (DEE12). Identifiers: MedGen C3150988, MONDO:0013389, OMIM 613722.

gnomAD v4.1: 2 of 1,547,218 alleles (0.00013%); highest among the groups gnomAD compares: Admixed American, 0.002%; no homozygotes.

Submission:

Labcorp Genetics (formerly Invitae), Labcorp
Classification: Uncertain significance for Developmental and epileptic encephalopathy, 12. Last evaluated: 2022-02-04. Review status: criteria provided, single submitter. Criteria: Invitae Variant Classification Sherloc (09022015). Collection method: clinical testing. Allele origin: germline.
Comment: Algorithms developed to predict the effect of missense changes on protein structure and function are either unavailable or do not agree on the potential impact of this missense change (SIFT: "Tolerated"; PolyPhen-2: "Possibly Damaging"; Align-GVGD: "Class C0"). This variant has not been reported in the literature in individuals affected with PNKP-related conditions. This variant is present in population databases (no rsID available, gnomAD 0.004%). This sequence change replaces arginine, which is basic and polar, with glycine, which is neutral and non-polar, at codon 439 of the PNKP protein (p.Arg439Gly). In summary, the available evidence is currently insufficient to determine the role of this variant in disease. Therefore, it has been classified as a Variant of Uncertain Significance.

NM_007254.4(PNKP):c.1315C>G (p.Arg439Gly)

Gene: PNKP (polynucleotide kinase 3'-phosphatase; minus strand). Cytogenetic location: 19q13.33.
Variant type: single nucleotide variant.
Coding change: c.1315C>G on transcript NM_007254.4 (MANE Select); coding-DNA position 1315, C replaced by G.
Protein change: p.Arg439Gly; replaces arginine 439 with glycine.
Molecular consequence: missense variant.
Genome position (GRCh38, 1-based): chr19:49,861,679, G>C on the plus strand (C>G on the coding strand, the complement: PNKP is on the minus strand). VCF-style: chr19-49861679-G-C. GRCh37 (hg19) VCF-style: chr19-50364936-G-C.
Other names: short protein forms R439G.
Identifiers: ClinVar variation 1414027 (VCV001414027.8), dbSNP rs539286945, ClinGen allele CA406933248.
Genomic context (GRCh38, chr19:49,861,679, plus strand): 5'-GGCGCGCCTGCTCCAGAGTGGCGGTGAAGAGGAAGCAGCGGCAGGGGACGCCCGCGGCTC[G>C]GGCACACTGGACGTACCTGTGGGGGAAGGAGCTGGATGTGCAGGCCCCGCCCACCCCGCC-3'
Protein context (NP_009185.2, residues 429-449): ASRARYVQCA[Arg439Gly]AAGVPCRCFL